The following is an entry in ClinVar:

NM_000460.4(THPO):c.194T>C (p.Val65Ala)

Gene: THPO (thrombopoietin; minus strand). Cytogenetic location: 3q27.1.
Variant type: single nucleotide variant.
Coding change: c.194T>C on transcript NM_000460.4 (MANE Select); coding-DNA position 194, T replaced by C.
Protein change: p.Val65Ala; replaces valine 65 with alanine.
Molecular consequence: missense variant.
Genome position (GRCh38, 1-based): chr3:184,375,549, A>G on the plus strand (T>C on the coding strand, the complement: THPO is on the minus strand). VCF-style: chr3-184375549-A-G. GRCh37 (hg19) VCF-style: chr3-184093337-A-G.
Other names: c.194T>C, p.Val65Ala (NM_001177597.2, NM_001177598.2, NM_001289997.1 and 5 more transcripts); c.614T>C, p.Val205Ala (NM_001290003.1); short protein forms V205A, V65A.
Identifiers: ClinVar variation 3367514 (VCV003367514.1).

ClinVar aggregate classification (germline): Uncertain significance (1 of 4 stars; one submission).

Submission:

GeneDx
Classification: Uncertain significance. Last evaluated: 2024-01-01. Review status: criteria provided, single submitter. Criteria: GeneDx Variant Classification Process June 2021. Collection method: clinical testing. Allele origin: germline. Affected: yes.
Comment: Not observed at significant frequency in large population cohorts (gnomAD); In silico analysis supports that this missense variant has a deleterious effect on protein structure/function; Has not been previously published as pathogenic or benign to our knowledge